The following is an entry in ClinVar:

ClinVar aggregate classification (germline): Likely benign. Review status: criteria provided, multiple submitters, no conflicts (2 of 4 stars). 2 submissions from 2 submitters: Likely benign (2). Last evaluated 2024-03-06.

Conditions:
Hereditary insensitivity to pain with anhidrosis (CIPA). Also called: INSENSITIVITY TO PAIN, CONGENITAL, WITH ANHIDROSIS; HSAN Type IV; hereditary sensory and autonomic neuropathy type 4; FAMILIAL DYSAUTONOMIA, TYPE II; NEUROPATHY, CONGENITAL SENSORY, WITH ANHIDROSIS; NTRK1 Congenital Insensitivity to Pain with Anhidrosis. Identifiers: Orphanet 642, MedGen C0020074, MONDO:0009746, OMIM 256800.

Allele frequency attached by ClinVar (database versions not stated): gnomAD exomes below 0.00001.
gnomAD v4.1: 1 of 1,558,984 alleles (0.000064%); highest among the groups gnomAD compares: Non-Finnish European, 0.000087%; no homozygotes.

Submissions (2):

Labcorp Genetics (formerly Invitae), Labcorp
Classification: Likely benign for Hereditary insensitivity to pain with anhidrosis. Last evaluated: 2024-03-06. Review status: criteria provided, single submitter. Criteria: Invitae Variant Classification Sherloc (09022015). Collection method: clinical testing. Allele origin: germline.

CeGaT Center for Human Genetics Tuebingen
Classification: Likely benign. Last evaluated: 2023-10-01. Review status: criteria provided, single submitter. Criteria: CeGaT Center For Human Genetics Tuebingen Variant Classification Criteria Version 2. Collection method: clinical testing. Allele origin: germline. Affected: yes. Observed: 1 variant allele.
Comment: NTRK1: BP4

NM_002529.4(NTRK1):c.588G>A (p.Leu196=)

Gene: NTRK1 (neurotrophic receptor tyrosine kinase 1; plus strand). Cytogenetic location: 1q23.1.
Variant type: single nucleotide variant.
Coding change: c.588G>A on transcript NM_002529.4 (MANE Select); coding-DNA position 588, G replaced by A.
Protein change: p.Leu196=; no amino-acid change (leucine 196 retained).
Molecular consequence: synonymous variant.
Genome position (GRCh38, 1-based): chr1:156,868,518, G>A. VCF-style: chr1-156868518-G-A. GRCh37 (hg19) VCF-style: chr1-156838310-G-A.
Other names: c.498G>A, p.Leu166= (NM_001007792.1); c.588G>A, p.Leu196= (NM_001012331.2).
Identifiers: ClinVar variation 1080322 (VCV001080322.32), dbSNP rs971243513, ClinGen allele CA31108806.